The following is an entry in ClinVar:

ClinVar aggregate classification (germline): Pathogenic/Likely pathogenic. Review status: criteria provided, multiple submitters, no conflicts (2 of 4 stars). 4 submissions from 4 submitters: Pathogenic (2); Likely pathogenic (2). Last evaluated 2025-01-28.

Conditions:
Osteogenesis imperfecta type I (OI1). Also called: Lobstein's Disease; Classic Non-deforming Osteogenesis Imperfecta with Blue Sclerae; Lobstein disease; OI, TYPE I; OSTEOGENESIS IMPERFECTA TARDA; OSTEOGENESIS IMPERFECTA WITH BLUE SCLERAE. Identifiers: Orphanet 216796, Orphanet 666, MedGen C0023931, MONDO:0008146, OMIM 166200. Disease mechanism: loss of function.
Ehlers-Danlos syndrome, classic type, 1 (EDSCL1). Also called: Ehlers-Danlos syndrome, type 1; Ehlers-Danlos Syndrome, Classic Type, COL5A1-Related; EDS I; EHLERS-DANLOS SYNDROME, GRAVIS TYPE; EHLERS-DANLOS SYNDROME, SEVERE CLASSIC TYPE. Identifiers: MedGen C0268335, MONDO:0019567, OMIM 130000.
Ehlers-Danlos syndrome (EDS). Identifiers: Orphanet 98249, MedGen C0013720, MONDO:0020066.
Osteogenesis imperfecta, perinatal lethal (OI2). Also called: Osteogenesis imperfecta, dominant perinatal lethal; OSTEOGENESIS IMPERFECTA, TYPE II; OI, TYPE II; OSTEOGENESIS IMPERFECTA CONGENITA; VROLIK TYPE OF OSTEOGENESIS IMPERFECTA; Osteogenesis imperfecta type 2. Identifiers: Orphanet 216804, MedGen C0268358, MONDO:0008147, OMIM 166210.
Osteogenesis imperfecta type III (OI3). Also called: Progressively Deforming Osteogenesis Imperfecta; Osteogenesis imperfecta type 3; OI type 3; Osteogenesis imperfecta, progressively deforming with normal sclerae; OI type III. Identifiers: Orphanet 216812, Orphanet 666, MedGen C0268362, MONDO:0009804, OMIM 259420.
Ehlers-Danlos syndrome, arthrochalasia type, 2. Also called: EHLERS-DANLOS SYNDROME, TYPE VIIB, AUTOSOMAL DOMINANT. Identifiers: MedGen CN293783, MONDO:0040501, OMIM 617821.
Ehlers-Danlos syndrome, cardiac valvular type. Identifiers: Orphanet 230851, MedGen C4303789, MONDO:0009159, OMIM 225320.
Combined osteogenesis imperfecta and Ehlers-Danlos syndrome 2. Also called: OIEDS SYNDROME 2. Identifiers: MedGen C5436847, MONDO:0030855, OMIM 619120.
Osteogenesis imperfecta with normal sclerae, dominant form (OI4). Also called: Common Variable Osteogenesis Imperfecta with Normal Sclerae; OSTEOGENESIS IMPERFECTA, TYPE IV, WITH DENTINOGENESIS IMPERFECTA; OSTEOGENESIS IMPERFECTA WITH NORMAL SCLERAE; Osteogenesis Imperfecta Type IV; Osteogenesis imperfecta type 4. Identifiers: Orphanet 216820, Orphanet 666, MedGen C0268363, MONDO:0008148, OMIM 166220.
Osteoporosis. Identifiers: MedGen C0029456, MONDO:0005298, OMIM 166710, HP:0000939.

Allele frequency attached by ClinVar (database versions not stated): gnomAD exomes below 0.00001.
gnomAD v4.1: 1 of 1,612,916 alleles (0.000062%); highest among the groups gnomAD compares: Non-Finnish European, 0.000085%; no homozygotes.

Submissions (4):

Labcorp Genetics (formerly Invitae), Labcorp
Classification: Pathogenic for Osteogenesis imperfecta type I; Ehlers-Danlos syndrome, classic type, 1. Last evaluated: 2025-01-28. Review status: criteria provided, single submitter. Criteria: Invitae Variant Classification Sherloc (09022015). Collection method: clinical testing. Allele origin: germline.
Comment: This sequence change replaces glycine, which is neutral and non-polar, with cysteine, which is neutral and slightly polar, at codon 1084 of the COL1A2 protein (p.Gly1084Cys). This variant is not present in population databases (gnomAD no frequency). This missense change has been observed in individuals with osteogenesis imperfecta (PMID: 26402641; internal data). ClinVar contains an entry for this variant (Variation ID: 848804). Invitae Evidence Modeling of protein sequence and biophysical properties (such as structural, functional, and spatial information, amino acid conservation, physicochemical variation, residue mobility, and thermodynamic stability) indicates that this missense variant is expected to disrupt COL1A2 protein function with a positive predictive value of 95%. This variant disrupts the triple helix domain of COL1A2. Glycine residues within the Gly-Xaa-Yaa repeats of the triple helix domain are required for the structure and stability of fibrillar collagens (PMID: 7695699, 8218237, 19344236). In COL1A2, variants affecting these glycine residues are significantly enriched in individuals with disease (PMID: 9016532, 17078022) compared to the general population (ExAC). For these reasons, this variant has been classified as Pathogenic.

GeneDx
Classification: Pathogenic. Last evaluated: 2023-11-15. Review status: criteria provided, single submitter. Criteria: GeneDx Variant Classification Process June 2021. Collection method: clinical testing. Allele origin: germline. Affected: yes.
Comment: Occurs in the triple helical domain and replaces a glycine in a canonical Gly-X-Y repeat; missense substitution of a canonical glycine residue is expected to disrupt normal protein folding and function, and this is an established mechanism of disease (PMID: 34007986); Not observed at significant frequency in large population cohorts (gnomAD); In silico analysis supports that this missense variant has a deleterious effect on protein structure/function; This variant is associated with the following publications: (PMID: 34007986, 35909573, 17078022, 26402641)

Women's Health and Genetics/Laboratory Corporation of America, LabCorp
Classification: Likely pathogenic for Ehlers-Danlos syndrome. Last evaluated: 2022-09-12. Review status: criteria provided, single submitter. Criteria: LabCorp Variant Classification Summary - May 2015. Collection method: clinical testing. Allele origin: germline.
Comment: Variant summary: COL1A2 c.3250G>T (p.Gly1084Cys) results in a non-conservative amino acid change located in the Collagen triple helix repeat region (IPR008160) of the encoded protein sequence. Five of five in-silico tools predict a damaging effect of the variant on protein function. The variant was absent in 248710 control chromosomes (gnomAD). c.3250G>T has been reported in the literature in at-least one individual affected with osteogenesis imperffecta (example: Bae_2016). These data do not allow any conclusion about variant significance. To our knowledge, no experimental evidence demonstrating an impact on protein function has been reported. One clinical diagnostic laboratory has submitted clinical-significance assessments for this variant to ClinVar after 2014 and classified the variant as pathogenic. Based on the evidence outlined above, the variant was classified as likely pathogenic.

Juno Genomics, Hangzhou Juno Genomics, Inc
Classification: Likely pathogenic for Combined osteogenesis imperfecta and Ehlers-Danlos syndrome 2; Ehlers-Danlos syndrome, arthrochalasia type, 2; Ehlers-Danlos syndrome, cardiac valvular type; Osteogenesis imperfecta, perinatal lethal; Osteogenesis imperfecta type III; Osteogenesis imperfecta with normal sclerae, dominant form; Osteoporosis. Review status: criteria provided, single submitter. Criteria: ACMG Guidelines, 2015. Collection method: clinical testing. Allele origin: germline. Affected: yes.
Comment: Absent from controls (or at extremely low frequency if recessive) in Genome Aggregation Database, Exome Sequencing Project, 1000 Genomes Project, or Exome Aggregation Consortium.;Multiple lines of computational evidence support a deleterious effect on the gene or gene product (conservation, evolutionary, splicing impact, etc).;The prevalence of the variant in affected individuals is significantly increased compared to the prevalence in controls.;Patient's phenotype or family history is highly specific for a disease with a single genetic etiology.;Assumed de novo, but without confirmation of paternity and maternity.;Located in a mutational hot spot and/or critical and well-established functional domain (e.g. active site of an enzyme) without benign variation.;Missense variant in a gene that has a low rate of benign missense variation and where missense variants are a common mechanism of disease.

Literature cited by the submitters: PubMed 26402641 (cited by Labcorp Genetics (formerly Invitae), Labcorp and Women's Health and Genetics/Laboratory Corporation of America, LabCorp); PubMed 7695699 (cited by Labcorp Genetics (formerly Invitae), Labcorp); PubMed 8218237 (cited by Labcorp Genetics (formerly Invitae), Labcorp); PubMed 19344236 (cited by Labcorp Genetics (formerly Invitae), Labcorp); PubMed 9016532 (cited by Labcorp Genetics (formerly Invitae), Labcorp); PubMed 17078022 (cited by Labcorp Genetics (formerly Invitae), Labcorp).

NM_000089.4(COL1A2):c.3250G>T (p.Gly1084Cys)

Gene: COL1A2 (collagen type I alpha 2 chain; plus strand). Cytogenetic location: 7q21.3.
Variant type: single nucleotide variant.
Coding change: c.3250G>T on transcript NM_000089.4 (MANE Select); coding-DNA position 3250, G replaced by T.
Protein change: p.Gly1084Cys; replaces glycine 1084 with cysteine.
Molecular consequence: missense variant.
Genome position (GRCh38, 1-based): chr7:94,427,278, G>T. VCF-style: chr7-94427278-G-T. GRCh37 (hg19) VCF-style: chr7-94056590-G-T.
Other names: short protein forms G1084C.
Identifiers: ClinVar variation 848804 (VCV000848804.16), dbSNP rs1792298693, ClinGen allele CA368225575.